The following is an entry in ClinVar:

ClinVar aggregate classification (germline): Likely benign. Review status: criteria provided, multiple submitters, no conflicts (2 of 4 stars). 2 submissions from 2 submitters: Likely benign (2). Last evaluated 2022-11-10.

Conditions:
Dilated cardiomyopathy 1P (CMD1P). Identifiers: Orphanet 154, MedGen C1835928, MONDO:0012362, OMIM 609909.

Submissions (2):

Labcorp Genetics (formerly Invitae), Labcorp
Classification: Likely benign for Dilated cardiomyopathy 1P. Last evaluated: 2022-11-10. Review status: criteria provided, single submitter. Criteria: Invitae Variant Classification Sherloc (09022015). Collection method: clinical testing. Allele origin: germline.

GeneDx
Classification: Likely benign. Last evaluated: 2017-08-29. Review status: criteria provided, single submitter. Criteria: GeneDx Variant Classification (06012015). Collection method: clinical testing. Allele origin: germline. Affected: yes.
Comment: This variant is considered likely benign or benign based on one or more of the following criteria: it is a conservative change, it occurs at a poorly conserved position in the protein, it is predicted to be benign by multiple in silico algorithms, and/or has population frequency not consistent with disease.

NM_002667.5(PLN):c.27C>A (p.Arg9=)

Genes: PLN (phospholamban; plus strand), CEP85L (centrosomal protein 85L; minus strand). Cytogenetic location: 6q22.31.
Variant type: single nucleotide variant.
Coding change: c.27C>A on transcript NM_002667.5 (MANE Select); coding-DNA position 27, C replaced by A.
Protein change: p.Arg9=; no amino-acid change (arginine 9 retained).
Molecular consequence: synonymous variant. On other transcripts: intron variant (3).
Genome position (GRCh38, 1-based): chr6:118,558,948, C>A. VCF-style: chr6-118558948-C-A. GRCh37 (hg19) VCF-style: chr6-118880111-C-A.
Other names: c.1029+6581G>T (NM_001178035.2); c.1020+6581G>T (NM_001042475.3, NM_206921.3).
Identifiers: ClinVar variation 511655 (VCV000511655.4), dbSNP rs145623013, ClinGen allele CA452016408.